The following is an entry in ClinVar:

NM_014014.5(SNRNP200):c.3820C>T (p.Arg1274Cys)

Gene: SNRNP200 (small nuclear ribonucleoprotein U5 subunit 200; minus strand). Cytogenetic location: 2q11.2.
Variant type: single nucleotide variant.
Coding change: c.3820C>T on transcript NM_014014.5 (MANE Select); coding-DNA position 3820, C replaced by T.
Protein change: p.Arg1274Cys; replaces arginine 1274 with cysteine.
Molecular consequence: missense variant.
Genome position (GRCh38, 1-based): chr2:96,286,697, G>A on the plus strand (C>T on the coding strand, the complement: SNRNP200 is on the minus strand). VCF-style: chr2-96286697-G-A. GRCh37 (hg19) VCF-style: chr2-96952435-G-A.
Other names: short protein forms R1274C.
Identifiers: ClinVar variation 1416769 (VCV001416769.9), dbSNP rs747634123, ClinGen allele CA1778378.

ClinVar aggregate classification (germline): Uncertain significance. Review status: criteria provided, multiple submitters, no conflicts (2 of 4 stars). 2 submissions from 2 submitters: Uncertain significance (2). Last evaluated 2025-12-22.

Allele frequency attached by ClinVar (database versions not stated): ExAC 0.00001; gnomAD 0.00001; gnomAD exomes 0.00001.
gnomAD v4.1: 18 of 1,613,450 alleles (0.0011%); highest among the groups gnomAD compares: Admixed American, 0.012%; no homozygotes.

Submissions (2):

Labcorp Genetics (formerly Invitae), Labcorp
Classification: Uncertain significance. Last evaluated: 2025-12-22. Review status: criteria provided, single submitter. Criteria: Invitae Variant Classification Sherloc (09022015). Collection method: clinical testing. Allele origin: germline.
Comment: This sequence change replaces arginine, which is basic and polar, with cysteine, which is neutral and slightly polar, at codon 1274 of the SNRNP200 protein (p.Arg1274Cys). This variant is present in population databases (rs747634123, gnomAD 0.003%). This variant has not been reported in the literature in individuals affected with SNRNP200-related conditions. ClinVar contains an entry for this variant (Variation ID: 1416769). Invitae Evidence Modeling of protein sequence and biophysical properties (such as structural, functional, and spatial information, amino acid conservation, physicochemical variation, residue mobility, and thermodynamic stability) has been performed for this missense variant. However, the output from this modeling did not meet the statistical confidence thresholds required to predict the impact of this variant on SNRNP200 protein function. In summary, the available evidence is currently insufficient to determine the role of this variant in disease. Therefore, it has been classified as a Variant of Uncertain Significance.

Blueprint Genetics
Classification: Uncertain significance. Last evaluated: 2022-03-04. Review status: criteria provided, single submitter. Criteria: ACMG Guidelines, 2015. Collection method: clinical testing. Allele origin: germline.